The following is an entry in ClinVar:

NM_000297.4(PKD2):c.1617G>C (p.Leu539=)

Gene: PKD2 (polycystin 2, transient receptor potential cation channel; plus strand). Cytogenetic location: 4q22.1.
Variant type: single nucleotide variant.
Coding change: c.1617G>C on transcript NM_000297.4 (MANE Select); coding-DNA position 1617, G replaced by C.
Protein change: p.Leu539=; no amino-acid change (leucine 539 retained).
Molecular consequence: synonymous variant. On other transcripts: non-coding transcript variant (1).
Genome position (GRCh38, 1-based): chr4:88,052,059, G>C. VCF-style: chr4-88052059-G-C. GRCh37 (hg19) VCF-style: chr4-88973211-G-C.
Identifiers: ClinVar variation 543950 (VCV000543950.22), dbSNP rs145297759, ClinGen allele CA3004004.

ClinVar aggregate classification (germline): Benign/Likely benign. Review status: criteria provided, multiple submitters, no conflicts (2 of 4 stars). 7 submissions from 7 submitters: Benign (2); Likely benign (4). 1 of the submissions does not count toward it. Last evaluated 2026-01-05.

Conditions:
Autosomal dominant polycystic kidney disease. Identifiers: Orphanet 730, MedGen C0085413, MONDO:0004691.
Polycystic kidney disease 2 (PKD2). Also called: POLYCYSTIC KIDNEY DISEASE, ADULT, TYPE II; POLYCYSTIC KIDNEY DISEASE 2 WITH OR WITHOUT POLYCYSTIC LIVER DISEASE; Polycystic Kidney Disease 2, Autosomal Dominant. Identifiers: MedGen C2751306, MONDO:0013131, OMIM 613095.
PKD2-related disorder. Also called: PKD2-related condition.

Allele frequency attached by ClinVar (database versions not stated): gnomAD exomes 0.00044; ExAC 0.00058; 1000 Genomes Project 30x 0.00125; 1000 Genomes Project 0.00140; TOPMed 0.00213; ESP Exome Variant Server 0.00223.
gnomAD v4.1: 518 of 1,602,076 alleles (0.032%); highest among the groups gnomAD compares: African/African-American, 0.62%; 2 homozygotes.

Submissions (7):

Labcorp Genetics (formerly Invitae), Labcorp
Classification: Benign for Autosomal dominant polycystic kidney disease. Last evaluated: 2026-01-05. Review status: criteria provided, single submitter. Criteria: Invitae Variant Classification Sherloc (09022015). Collection method: clinical testing. Allele origin: germline.

Blueprint Genetics
Classification: Likely benign. Last evaluated: 2024-11-01. Review status: criteria provided, single submitter. Criteria: ACMG Guidelines, 2015. Collection method: clinical testing. Allele origin: germline.

Fulgent Genetics
Classification: Likely benign for Polycystic kidney disease 2. Last evaluated: 2021-07-21. Review status: criteria provided, single submitter. Criteria: ACMG Guidelines, 2015. Collection method: clinical testing. Allele origin: unknown.

GeneDx
Classification: Likely benign. Last evaluated: 2019-12-30. Review status: criteria provided, single submitter. Criteria: GeneDx Variant Classification Process June 2021. Collection method: clinical testing. Allele origin: germline. Affected: yes.
Comment: This variant is associated with the following publications: (PMID: 17574468)

Athena Diagnostics
Classification: Benign. Last evaluated: 2019-05-10. Review status: criteria provided, single submitter. Criteria: Athena Diagnostics Criteria. Collection method: clinical testing. Allele origin: germline.

Illumina Laboratory Services, Illumina
Classification: Likely benign for Polycystic kidney disease 2. Last evaluated: 2018-01-13. Review status: criteria provided, single submitter. Criteria: ICSL Variant Classification Criteria 13 December 2019. Collection method: clinical testing. Allele origin: germline.
Comment: This variant was observed in the ICSL laboratory as part of a predisposition screen in an ostensibly healthy population. It had not been previously curated by ICSL or reported in the Human Gene Mutation Database (HGMD: prior to June 1st, 2018), and was therefore a candidate for classification through an automated scoring system. Utilizing variant allele frequency, disease prevalence and penetrance estimates, and inheritance mode, an automated score was calculated to assess if this variant is too frequent to cause the disease. Based on the score and internal cut-off values, a variant classified as likely benign is not then subjected to further curation. The score for this variant resulted in a classification of likely benign for this disease.

PreventionGenetics, part of Exact Sciences
Classification: Benign for PKD2-related condition. Last evaluated: 2019-08-29. Review status: no assertion criteria provided. Collection method: clinical testing. Allele origin: germline. Not counted in ClinVar's aggregate classification.
Comment: This variant is classified as benign based on ACMG/AMP sequence variant interpretation guidelines (Richards et al. 2015 PMID: 25741868, with internal and published modifications).

Literature cited by the submitters: PubMed 17574468 (cited by Athena Diagnostics).